The following is an entry in ClinVar:

NM_003073.5(SMARCB1):c.488C>G (p.Thr163Ser)

Gene: SMARCB1 (SWI/SNF related BAF chromatin remodeling complex subunit B1; plus strand). Cytogenetic location: 22q11.23.
Variant type: single nucleotide variant.
Coding change: c.488C>G on transcript NM_003073.5 (MANE Select); coding-DNA position 488, C replaced by G.
Protein change: p.Thr163Ser; replaces threonine 163 with serine.
Molecular consequence: missense variant.
Genome position (GRCh38, 1-based): chr22:23,801,069, C>G. VCF-style: chr22-23801069-C-G. GRCh37 (hg19) VCF-style: chr22-24143256-C-G.
Other names: c.461C>G, p.Thr154Ser (NM_001007468.3, NM_001317946.2); c.488C>G, p.Thr163Ser (NM_001362877.2); short protein forms T163S, T154S.
Identifiers: ClinVar variation 1421474 (VCV001421474.15), dbSNP rs2145978836, ClinGen allele CA410934568.

ClinVar aggregate classification (germline): Uncertain significance. Review status: criteria provided, multiple submitters, no conflicts (2 of 4 stars). 2 submissions from 2 submitters: Uncertain significance (2). Last evaluated 2025-09-01.

Submissions (2):

CeGaT Center for Human Genetics Tuebingen
Classification: Uncertain significance. Last evaluated: 2025-09-01. Review status: criteria provided, single submitter. Criteria: CeGaT Center For Human Genetics Tuebingen Variant Classification Criteria Version 2. Collection method: clinical testing. Allele origin: germline. Affected: yes. Observed: 1 variant allele.
Comment: SMARCB1: PM2, PP3

Labcorp Genetics (formerly Invitae), Labcorp
Classification: Uncertain significance. Last evaluated: 2021-04-14. Review status: criteria provided, single submitter. Criteria: Invitae Variant Classification Sherloc (09022015). Collection method: clinical testing. Allele origin: germline.
Comment: Algorithms developed to predict the effect of missense changes on protein structure and function (SIFT, PolyPhen-2, Align-GVGD) all suggest that this variant is likely to be tolerated, but these predictions have not been confirmed by published functional studies and their clinical significance is uncertain. In summary, the available evidence is currently insufficient to determine the role of this variant in disease. Therefore, it has been classified as a Variant of Uncertain Significance. This variant has not been reported in the literature in individuals with SMARCB1-related conditions. This variant is not present in population databases (ExAC no frequency). This sequence change replaces threonine with serine at codon 163 of the SMARCB1 protein (p.Thr163Ser). The threonine residue is highly conserved and there is a small physicochemical difference between threonine and serine.